The following is an entry in ClinVar:

ClinVar aggregate classification (germline): Pathogenic/Likely pathogenic. Review status: criteria provided, multiple submitters, no conflicts (2 of 4 stars). 3 submissions from 3 submitters: Pathogenic (2); Likely pathogenic (1). Last evaluated 2025-05-07.

Conditions:
Fanconi anemia (FA). Also called: Fanconi's anemia. Identifiers: Orphanet 84, MedGen C0015625, MeSH D005199, MONDO:0019391.
Fanconi anemia complementation group A (FANCA). Also called: Fanconi anemia, group A; FANCA-Related Fanconi Anemia. Identifiers: Orphanet 84, MedGen C3469521, MONDO:0009215, OMIM 227650.

Submissions (3):

Myriad Genetics, Inc.
Classification: Pathogenic for Fanconi anemia complementation group A. Last evaluated: 2025-05-07. Review status: criteria provided, single submitter. Criteria: Myriad Autosomal Dominant, Autosomal Recessive and X-Linked Classification Criteria (2023). Collection method: clinical testing. Allele origin: unknown.
Comment: NM_000135.2(FANCA):c.2026_2027dupCA(Q676Hfs*5) is a frameshift variant classified as pathogenic in the context of Fanconi anemia complementation group A. Q676Hfs*5 has not been observed in cases with relevant disease. Relevant functional assessments of this variant are not available in the literature. Q676Hfs*5 has not been observed in referenced population frequency databases. In summary, NM_000135.2(FANCA):c.2026_2027dupCA(Q676Hfs*5) is a frameshift variant in a gene where loss of function is a known mechanism of disease and is predicted to disrupt protein function. Please note: this variant was assessed in the context of healthy population screening.

Baylor Genetics
Classification: Likely pathogenic for Fanconi anemia complementation group A. Last evaluated: 2024-02-12. Review status: criteria provided, single submitter. Criteria: ACMG Guidelines, 2015. Collection method: clinical testing. Allele origin: unknown.

Labcorp Genetics (formerly Invitae), Labcorp
Classification: Pathogenic for Fanconi anemia. Last evaluated: 2024-02-09. Review status: criteria provided, single submitter. Criteria: Invitae Variant Classification Sherloc (09022015). Collection method: clinical testing. Allele origin: germline.
Comment: This sequence change creates a premature translational stop signal (p.Gln676Hisfs*5) in the FANCA gene. It is expected to result in an absent or disrupted protein product. Loss-of-function variants in FANCA are known to be pathogenic (PMID: 19367192). This variant is not present in population databases (gnomAD no frequency). This variant has not been reported in the literature in individuals affected with FANCA-related conditions. For these reasons, this variant has been classified as Pathogenic.

Literature cited by the submitters: PubMed 19367192 (cited by Labcorp Genetics (formerly Invitae), Labcorp).

NM_000135.4(FANCA):c.2026_2027dup (p.Gln676fs)

Gene: FANCA (FA complementation group A; minus strand). Cytogenetic location: 16q24.3.
Variant type: Microsatellite.
Coding change: c.2026_2027dup on transcript NM_000135.4 (MANE Select); coding-DNA positions 2026 to 2027, 2 bases duplicated (CA; older notation c.2026_2027dupCA).
Protein change: p.Gln676fs; shifts the reading frame from glutamine 676.
Molecular consequence: frameshift variant.
Genome position (GRCh38, 1-based): chr16:89,771,802-89,771,803, TG duplicated on the plus strand (CA on the coding strand, the reverse complement: FANCA is on the minus strand); duplicating any 2 consecutive bases within chr16:89,771,802-89,771,805 gives the same sequence; the c. name uses the placement nearest the transcript's 3' end. VCF-style (leftmost placement, unchanged base first): chr16-89771801-C-CTG. GRCh37 (hg19) VCF-style: chr16-89838209-C-CTG.
Other names: c.2026_2027dup, p.Gln676fs (NM_001286167.3); short protein forms Q676fs.
Identifiers: ClinVar variation 1454096 (VCV001454096.8), dbSNP rs2143351554, ClinGen allele CA2580613944.